The following is an entry in ClinVar:

NM_017617.5(NOTCH1):c.3697T>C (p.Ser1233Pro)

Gene: NOTCH1 (notch receptor 1; minus strand). Cytogenetic location: 9q34.3.
Variant type: single nucleotide variant.
Coding change: c.3697T>C on transcript NM_017617.5 (MANE Select); coding-DNA position 3697, T replaced by C.
Protein change: p.Ser1233Pro; replaces serine 1233 with proline.
Molecular consequence: missense variant.
Genome position (GRCh38, 1-based): chr9:136,506,920, A>G on the plus strand (T>C on the coding strand, the complement: NOTCH1 is on the minus strand). VCF-style: chr9-136506920-A-G. GRCh37 (hg19) VCF-style: chr9-139401372-A-G.
Other names: short protein forms S1233P.
Identifiers: ClinVar variation 3300465 (VCV003300465.1).

ClinVar aggregate classification (germline): Uncertain significance (1 of 4 stars; one submission).

Conditions:
Familial thoracic aortic aneurysm and aortic dissection (TAAD). Also called: Thoracic aortic aneurysms and dissections. Identifiers: Orphanet 91387, MedGen C4707243, MONDO:0019625.

gnomAD v4.1: 1 of 1,611,608 alleles (0.000062%); no homozygotes.

Submission:

Ambry Genetics
Classification: Uncertain significance for Familial thoracic aortic aneurysm and aortic dissection. Last evaluated: 2024-05-19. Review status: criteria provided, single submitter. Criteria: Ambry Variant Classification Scheme 2023. Collection method: clinical testing. Allele origin: germline.
Comment: The p.S1233P variant (also known as c.3697T>C), located in coding exon 23 of the NOTCH1 gene, results from a T to C substitution at nucleotide position 3697. The serine at codon 1233 is replaced by proline, an amino acid with similar properties. This amino acid position is conserved. In addition, this alteration is predicted to be tolerated by in silico analysis. Based on the available evidence, the clinical significance of this variant remains unclear.